The following is an entry in ClinVar:

NM_020988.3(GNAO1):c.56T>A (p.Ile19Asn)

Gene: GNAO1 (G protein subunit alpha o1; plus strand). Cytogenetic location: 16q13.
Variant type: single nucleotide variant.
Coding change: c.56T>A on transcript NM_020988.3 (MANE Select); coding-DNA position 56, T replaced by A.
Protein change: p.Ile19Asn; replaces isoleucine 19 with asparagine.
Molecular consequence: missense variant.
Genome position (GRCh38, 1-based): chr16:56,192,291, T>A. VCF-style: chr16-56192291-T-A. GRCh37 (hg19) VCF-style: chr16-56226203-T-A.
Other names: c.56T>A, p.Ile19Asn (NM_138736.3); short protein forms I19N.
Identifiers: ClinVar variation 2117211 (VCV002117211.4), dbSNP rs2506529432, ClinGen allele CA396128409.

ClinVar aggregate classification (germline): Uncertain significance (1 of 4 stars; one submission).

Conditions:
Early-infantile DEE. Also called: Early infantile epileptic encephalopathy; Ohtahara syndrome; Early infantile epileptic encephalopathy with suppression bursts. Identifiers: Orphanet 1934, MedGen C0393706, MONDO:0800491.

Submission:

Labcorp Genetics (formerly Invitae), Labcorp
Classification: Uncertain significance for Early-infantile DEE. Last evaluated: 2024-11-11. Review status: criteria provided, single submitter. Criteria: Invitae Variant Classification Sherloc (09022015). Collection method: clinical testing. Allele origin: germline.
Comment: This sequence change replaces isoleucine, which is neutral and non-polar, with asparagine, which is neutral and polar, at codon 19 of the GNAO1 protein (p.Ile19Asn). This variant is not present in population databases (gnomAD no frequency). This variant has not been reported in the literature in individuals affected with GNAO1-related conditions. ClinVar contains an entry for this variant (Variation ID: 2117211). Invitae Evidence Modeling of protein sequence and biophysical properties (such as structural, functional, and spatial information, amino acid conservation, physicochemical variation, residue mobility, and thermodynamic stability) indicates that this missense variant is expected to disrupt GNAO1 protein function with a positive predictive value of 95%. In summary, the available evidence is currently insufficient to determine the role of this variant in disease. Therefore, it has been classified as a Variant of Uncertain Significance.